The following is an entry in ClinVar:

NM_001370959.1(POU6F2):c.1449C>T (p.Ser483=)

Gene: POU6F2 (POU class 6 homeobox 2; plus strand). Cytogenetic location: 7p14.1.
Variant type: single nucleotide variant.
Coding change: c.1449C>T on transcript NM_001370959.1 (MANE Select); coding-DNA position 1449, C replaced by T.
Protein change: p.Ser483=; no amino-acid change (serine 483 retained).
Molecular consequence: synonymous variant.
Genome position (GRCh38, 1-based): chr7:39,451,661, C>T. VCF-style: chr7-39451661-C-T. GRCh37 (hg19) VCF-style: chr7-39491260-C-T.
Other names: c.1362C>T, p.Ser454= (NM_001166018.2, NM_007252.4).
Identifiers: ClinVar variation 709062 (VCV000709062.6), dbSNP rs150437987, ClinGen allele CA4227812.

ClinVar aggregate classification (germline): Benign. Review status: criteria provided, single submitter (1 of 4 stars). 2 submissions from 2 submitters: Benign (1). 1 of the submissions does not count toward it. Last evaluated 2019-12-31.

Conditions:
POU6F2-related disorder. Also called: POU6F2-related condition.

Allele frequency attached by ClinVar (database versions not stated): TOPMed 0.00056; ESP Exome Variant Server 0.00092; 1000 Genomes Project 30x 0.00094; 1000 Genomes Project 0.00120; gnomAD exomes 0.00148 and 0.00228; gnomAD 0.00211 and 0.00213; ExAC 0.00279.
gnomAD v4.1: 2,463 of 1,610,434 alleles (0.15%); highest among the groups gnomAD compares: Middle Eastern, 0.21%; 16 homozygotes.

Submissions (2):

Labcorp Genetics (formerly Invitae), Labcorp
Classification: Benign. Last evaluated: 2019-12-31. Review status: criteria provided, single submitter. Criteria: Invitae Variant Classification Sherloc (09022015). Collection method: clinical testing. Allele origin: germline.

PreventionGenetics, part of Exact Sciences
Classification: Benign for POU6F2-related condition. Last evaluated: 2019-06-17. Review status: no assertion criteria provided. Collection method: clinical testing. Allele origin: germline. Not counted in ClinVar's aggregate classification.
Comment: This variant is classified as benign based on ACMG/AMP sequence variant interpretation guidelines (Richards et al. 2015 PMID: 25741868, with internal and published modifications).